The following is an entry in ClinVar:

NM_174934.4(SCN4B):c.312A>G (p.Val104=)

Genes: SCN4B (sodium voltage-gated channel beta subunit 4; minus strand), LOC126861356 (BRD4-independent group 4 enhancer GRCh37_chr11:118014519-118015718; plus strand). Cytogenetic location: 11q23.3.
Variant type: single nucleotide variant.
Coding change: c.312A>G on transcript NM_174934.4 (MANE Select); coding-DNA position 312, A replaced by G.
Protein change: p.Val104=; no amino-acid change (valine 104 retained).
Molecular consequence: synonymous variant. On other transcripts: 5 prime UTR variant (1), intron variant (1).
Genome position (GRCh38, 1-based): chr11:118,143,984, T>C on the plus strand (A>G on the coding strand, the complement: SCN4B is on the minus strand). VCF-style: chr11-118143984-T-C. GRCh37 (hg19) VCF-style: chr11-118014699-T-C.
Other names: c.-19A>G (NM_001142349.2); c.62-2648A>G (NM_001142348.2).
Identifiers: ClinVar variation 1727931 (VCV001727931.4), dbSNP rs1318236635, ClinGen allele CA477355477.

ClinVar aggregate classification (germline): Likely benign. Review status: criteria provided, multiple submitters, no conflicts (2 of 4 stars). 3 submissions from 3 submitters: Likely benign (3). Last evaluated 2025-08-27.

Conditions:
Cardiovascular phenotype. Identifiers: MedGen CN230736.
SCN4B-related disorder. Also called: SCN4B-related condition.
Long QT syndrome 10 (LQT10). Identifiers: Orphanet 101016, Orphanet 768, MedGen C2678484, MONDO:0012737, OMIM 611819.

Allele frequency attached by ClinVar (database versions not stated): gnomAD exomes below 0.00001; gnomAD 0.00002; TOPMed 0.00002.
gnomAD v4.1: 4 of 1,614,044 alleles (0.00025%); highest among the groups gnomAD compares: African/African-American, 0.0053%; no homozygotes.

Submissions (3):

PreventionGenetics, part of Exact Sciences
Classification: Likely benign for SCN4B-related condition. Last evaluated: 2025-08-27. Review status: criteria provided, single submitter. Criteria: ACMG Guidelines, 2015. Collection method: clinical testing. Allele origin: germline.
Comment: This variant is classified as likely benign based on ACMG/AMP sequence variant interpretation guidelines (Richards et al. 2015 PMID: 25741868, with internal and published modifications).

Labcorp Genetics (formerly Invitae), Labcorp
Classification: Likely benign for Long QT syndrome 10. Last evaluated: 2025-02-16. Review status: criteria provided, single submitter. Criteria: Invitae Variant Classification Sherloc (09022015). Collection method: clinical testing. Allele origin: germline.

Ambry Genetics
Classification: Likely benign for Cardiovascular phenotype. Last evaluated: 2021-06-16. Review status: criteria provided, single submitter. Criteria: Ambry Variant Classification Scheme 2023. Collection method: clinical testing. Allele origin: germline.